The following is an entry in ClinVar:

ClinVar aggregate classification (germline): Benign (1 of 4 stars; one submission).

Allele frequency attached by ClinVar (database versions not stated): gnomAD exomes 0.00029; ExAC 0.00073; gnomAD 0.00128; ESP Exome Variant Server 0.00208; 1000 Genomes Project 30x 0.00250; 1000 Genomes Project 0.00759.
gnomAD v4.1: 638 of 1,580,334 alleles (0.04%); highest among the groups gnomAD compares: East Asian, 0.48%; 58 homozygotes.

Submission:

CeGaT Center for Human Genetics Tuebingen
Classification: Benign. Last evaluated: 2022-06-01. Review status: criteria provided, single submitter. Criteria: CeGaT Center For Human Genetics Tuebingen Variant Classification Criteria Version 2. Collection method: clinical testing. Allele origin: germline. Affected: yes. Observed: 1 variant allele.
Comment: AHNAK2: BS1, BS2

NM_138420.4(AHNAK2):c.5112T>G (p.Thr1704=)

Gene: AHNAK2 (AHNAK nucleoprotein 2; minus strand). Cytogenetic location: 14q32.33.
Variant type: single nucleotide variant.
Coding change: c.5112T>G on transcript NM_138420.4 (MANE Select); coding-DNA position 5112, T replaced by G.
Protein change: p.Thr1704=; no amino-acid change (threonine 1704 retained).
Molecular consequence: synonymous variant.
Genome position (GRCh38, 1-based): chr14:104,950,339, A>C on the plus strand (T>G on the coding strand, the complement: AHNAK2 is on the minus strand). VCF-style: chr14-104950339-A-C. GRCh37 (hg19) VCF-style: chr14-105416676-A-C.
Other names: c.4812T>G, p.Thr1604= (NM_001350929.2).
Identifiers: ClinVar variation 2644805 (VCV002644805.24), dbSNP rs368963988, ClinGen allele CA7381984.